The following is an entry in ClinVar:

ClinVar aggregate classification (germline): Uncertain significance (1 of 4 stars; one submission).

Submission:

GeneDx
Classification: Uncertain significance. Last evaluated: 2024-03-11. Review status: criteria provided, single submitter. Criteria: GeneDx Variant Classification Process June 2021. Collection method: clinical testing. Allele origin: germline. Affected: yes.
Comment: Not observed at significant frequency in large population cohorts (gnomAD); In-silico analysis is inconclusive as to whether the variant impacts protein structure/function. In the absence of functional studies, the actual effect of this sequence change is unknown; Has not been previously published as pathogenic or benign to our knowledge

NM_001372044.2(SHANK3):c.388C>G (p.Leu130Val)

Gene: SHANK3 (SH3 and multiple ankyrin repeat domains 3; plus strand). Cytogenetic location: 22q13.33.
Variant type: single nucleotide variant.
Coding change: c.388C>G on transcript NM_001372044.2 (MANE Select); coding-DNA position 388, C replaced by G.
Protein change: p.Leu130Val; replaces leucine 130 with valine.
Molecular consequence: missense variant.
Genome position (GRCh38, 1-based): chr22:50,675,147, C>G. VCF-style: chr22-50675147-C-G. GRCh37 (hg19) VCF-style: chr22-51113575-C-G.
Other names: c.163C>G (NM_033517.1); short protein forms L130V.
Identifiers: ClinVar variation 3370715 (VCV003370715.1).
Genomic context (GRCh38, chr22:50,675,147, plus strand): 5'-GCCAAGCAGCGCGTGCTCTGCGCCCTCAACCACAGCCTCCAGGACGCGCTCAACTATGGG[C>G]TTTTCCAGCCGCCCTCCCGGGGCCGCGCCGGCAAGTTCCTGGATGAGGAGCGGCTCCTGC-3'
Protein context (NP_001358973.1, residues 120-140): HSLQDALNYG[Leu130Val]FQPPSRGRAG